The following is an entry in ClinVar:

NC_000009.11:g.(?_99064213)_(99064386_?)del

Gene: HSD17B3 (hydroxysteroid 17-beta dehydrogenase 3; minus strand). Cytogenetic location: 9q22.32.
Variant type: Deletion.
Identifiers: ClinVar variation 3245281 (VCV003245281.1).

ClinVar aggregate classification (germline): Pathogenic (1 of 4 stars; one submission).

Submission:

Labcorp Genetics (formerly Invitae), Labcorp
Classification: Pathogenic. Last evaluated: 2024-01-25. Review status: criteria provided, single submitter. Criteria: Invitae Variant Classification Sherloc (09022015). Collection method: clinical testing. Allele origin: unknown.
Comment: This variant is a gross deletion of the genomic region encompassing exon(s) 1 of the HSD17B3 gene, which includes the initiator codon. This deletion extends beyond the assayed region for this gene and therefore may encompass additional genes. It is expected to result in an absent or disrupted protein product. Loss-of-function variants in HSD17B3 are known to be pathogenic (PMID: 23796702, 25740850). A similar copy number variant has been observed in individual(s) with clinical features of 17-beta-hydroxysteroid dehydrogenase type 3 deficiency (PMID: 25383892, 32985417). For these reasons, this variant has been classified as Pathogenic.

Literature cited by the submitters: PubMed 23796702; PubMed 25740850; PubMed 25383892; PubMed 32985417.